The following is an entry in ClinVar:

NM_024513.4(FYCO1):c.3789A>G (p.Thr1263=)

Gene: FYCO1 (FYVE and coiled-coil domain autophagy adaptor 1; minus strand). Cytogenetic location: 3p21.31.
Variant type: single nucleotide variant.
Coding change: c.3789A>G on transcript NM_024513.4 (MANE Select); coding-DNA position 3789, A replaced by G.
Protein change: p.Thr1263=; no amino-acid change (threonine 1263 retained).
Molecular consequence: synonymous variant.
Genome position (GRCh38, 1-based): chr3:45,958,418, T>C on the plus strand (A>G on the coding strand, the complement: FYCO1 is on the minus strand). VCF-style: chr3-45958418-T-C. GRCh37 (hg19) VCF-style: chr3-45999910-T-C.
Identifiers: ClinVar variation 345501 (VCV000345501.17), dbSNP rs41289618, ClinGen allele CA2352702.

ClinVar aggregate classification (germline): Benign. Review status: criteria provided, multiple submitters, no conflicts (2 of 4 stars). 4 submissions from 4 submitters: Benign (4). Last evaluated 2026-01-26.

Conditions:
Cataract 18 (CATC2). Also called: CATARACT 18, AUTOSOMAL RECESSIVE. Identifiers: Orphanet 91492, Orphanet 98991, Orphanet 98992, Orphanet 98995, MedGen C1864908, MONDO:0012395, OMIM 610019.

Allele frequency attached by ClinVar (database versions not stated): 1000 Genomes Project 0.01358; 1000 Genomes Project 30x 0.01483; TOPMed 0.02443; ESP Exome Variant Server 0.02530; gnomAD 0.02588 and 0.02650; gnomAD exomes 0.02866 and 0.03176; ExAC 0.03138.
gnomAD v4.1: 50,141 of 1,612,242 alleles (3.1%); highest among the groups gnomAD compares: Middle Eastern, 3.8%; 886 homozygotes.

Submissions (4):

Labcorp Genetics (formerly Invitae), Labcorp
Classification: Benign for Cataract 18. Last evaluated: 2026-01-26. Review status: criteria provided, single submitter. Criteria: Invitae Variant Classification Sherloc (09022015). Collection method: clinical testing. Allele origin: germline.

GeneDx
Classification: Benign. Last evaluated: 2020-04-14. Review status: criteria provided, single submitter. Criteria: GeneDx Variant Classification Process June 2021. Collection method: clinical testing. Allele origin: germline. Affected: yes.

Illumina Laboratory Services, Illumina
Classification: Benign for Cataract 18. Last evaluated: 2018-01-12. Review status: criteria provided, single submitter. Criteria: ICSL Variant Classification Criteria 13 December 2019. Collection method: clinical testing. Allele origin: germline.
Comment: This variant was observed in the ICSL laboratory as part of a predisposition screen in an ostensibly healthy population. It had not been previously curated by ICSL or reported in the Human Gene Mutation Database (HGMD: prior to June 1st, 2018), and was therefore a candidate for classification through an automated scoring system. Utilizing variant allele frequency, disease prevalence and penetrance estimates, and inheritance mode, an automated score was calculated to assess if this variant is too frequent to cause the disease. Based on the score and internal cut-off values, a variant classified as benign is not then subjected to further curation. The score for this variant resulted in a classification of benign for this disease.

Breakthrough Genomics
Classification: Benign. Review status: criteria provided, single submitter. Criteria: ACMG Guidelines, 2015. Collection method: not provided. Allele origin: germline. Inheritance: Autosomal recessive inheritance. Affected: yes.